The following is an entry in ClinVar:

ClinVar aggregate classification (germline): Conflicting classifications of pathogenicity. Review status: criteria provided, conflicting classifications (1 of 4 stars). 2 submissions from 2 submitters: Uncertain significance (1); Likely benign (1). Last evaluated 2023-11-24.

Conditions:
Developmental and epileptic encephalopathy, 36 (DEE36). Also called: Congenital disorder of glycosylation, type Is; Epileptic encephalopathy, early infantile, 36; ALG13-CDG. Identifiers: Orphanet 324422, MedGen C4317295, MONDO:0010472, OMIM 300884.

Allele frequency attached by ClinVar (database versions not stated): gnomAD 0.00001; gnomAD exomes 0.00001; TOPMed 0.00001; ExAC 0.00002.
gnomAD v4.1: 11 of 1,209,483 alleles (0.00091%); highest among the groups gnomAD compares: South Asian, 0.0035%; no homozygotes.

Submissions (2):

Labcorp Genetics (formerly Invitae), Labcorp
Classification: Uncertain significance for Developmental and epileptic encephalopathy, 36. Last evaluated: 2023-11-24. Review status: criteria provided, single submitter. Criteria: Invitae Variant Classification Sherloc (09022015). Collection method: clinical testing. Allele origin: germline.
Comment: This sequence change replaces methionine, which is neutral and non-polar, with threonine, which is neutral and polar, at codon 637 of the ALG13 protein (p.Met637Thr). This variant is present in population databases (rs774331771, gnomAD 0.003%), including at least one homozygous and/or hemizygous individual. This variant has not been reported in the literature in individuals affected with ALG13-related conditions. ClinVar contains an entry for this variant (Variation ID: 291083). Advanced modeling of protein sequence and biophysical properties (such as structural, functional, and spatial information, amino acid conservation, physicochemical variation, residue mobility, and thermodynamic stability) performed at Invitae indicates that this missense variant is not expected to disrupt ALG13 protein function with a negative predictive value of 80%. In summary, the available evidence is currently insufficient to determine the role of this variant in disease. Therefore, it has been classified as a Variant of Uncertain Significance.

Eurofins Ntd Llc (ga)
Classification: Likely benign. Last evaluated: 2017-02-21. Review status: criteria provided, single submitter. Criteria: EGL Classification Definitions 2015. Collection method: clinical testing. Allele origin: germline. Observed: 2 variant alleles, 1 heterozygote, 1 hemizygote.

NM_001099922.3(ALG13):c.1910T>C (p.Met637Thr)

Gene: ALG13 (ALG13 UDP-N-acetylglucosaminyltransferase subunit; plus strand). Cytogenetic location: Xq23.
Variant type: single nucleotide variant.
Coding change: c.1910T>C on transcript NM_001099922.3 (MANE Select); coding-DNA position 1910, T replaced by C.
Protein change: p.Met637Thr; replaces methionine 637 with threonine.
Molecular consequence: missense variant. On other transcripts: non-coding transcript variant (1).
Genome position (GRCh38, 1-based): chrX:111,726,989, T>C. VCF-style: chrX-111726989-T-C. GRCh37 (hg19) VCF-style: chrX-110970217-T-C.
Other names: c.1598T>C, p.Met533Thr (NM_001257230.2, NM_001257234.2, NM_001257237.2); c.1676T>C, p.Met559Thr (NM_001257231.2); c.1910T>C, p.Met637Thr (NM_001324292.2); c.1424T>C, p.Met475Thr (NM_001324293.1); short protein forms M637T, M559T, M533T, M475T.
Identifiers: ClinVar variation 291083 (VCV000291083.12), dbSNP rs774331771, ClinGen allele CA10493783.